The following is an entry in ClinVar:

NM_020631.6(PLEKHG5):c.565A>G (p.Ser189Gly)

Gene: PLEKHG5 (pleckstrin homology and RhoGEF domain containing G5; minus strand). Cytogenetic location: 1p36.31.
Variant type: single nucleotide variant.
Coding change: c.565A>G on transcript NM_020631.6 (MANE Select); coding-DNA position 565, A replaced by G.
Protein change: p.Ser189Gly; replaces serine 189 with glycine.
Molecular consequence: missense variant.
Genome position (GRCh38, 1-based): chr1:6,474,039, T>C on the plus strand (A>G on the coding strand, the complement: PLEKHG5 is on the minus strand). VCF-style: chr1-6474039-T-C. GRCh37 (hg19) VCF-style: chr1-6534099-T-C.
Other names: c.565A>G, p.Ser189Gly (NM_198681.4, NM_001042664.2, NM_001042665.2 and 1 more transcripts); c.676A>G, p.Ser226Gly (NM_001042663.3, NM_001265592.2); c.772A>G, p.Ser258Gly (NM_001265593.2); short protein forms S258G, S189G, S226G.
Identifiers: ClinVar variation 940678 (VCV000940678.9), dbSNP rs1321100552, ClinGen allele CA338138457.

ClinVar aggregate classification (germline): Uncertain significance. Review status: criteria provided, multiple submitters, no conflicts (2 of 4 stars). 3 submissions from 3 submitters: Uncertain significance (3). Last evaluated 2026-06-17.

Conditions:
PLEKHG5-related disorder. Also called: PLEKHG5-related condition.
Charcot-Marie-Tooth disease recessive intermediate C. Also called: CHARCOT-MARIE-TOOTH NEUROPATHY, RECESSIVE INTERMEDIATE C. Identifiers: Orphanet 369867, MedGen C3809309, MONDO:0014154, OMIM 615376.
Neuronopathy, distal hereditary motor, autosomal recessive 4. Also called: Autosomal recessive lower motor neuron disease with childhood onset; NEUROPATHY, DISTAL HEREDITARY MOTOR, AUTOSOMAL RECESSIVE 4. Identifiers: Orphanet 206580, MedGen C1970211, MONDO:0012608, OMIM 611067.
Inborn genetic diseases. Identifiers: MedGen C0950123, MeSH D030342.

Allele frequency attached by ClinVar (database versions not stated): gnomAD exomes 0.00002 and below 0.00001; gnomAD 0.00001.
gnomAD v4.1: 27 of 1,461,638 alleles (0.0018%); highest among the groups gnomAD compares: Non-Finnish European, 0.0024%; no homozygotes.

Submissions (3):

PreventionGenetics, part of Exact Sciences
Classification: Uncertain significance for PLEKHG5-related condition. Last evaluated: 2026-06-17. Review status: criteria provided, single submitter. Criteria: ACMG Guidelines, 2015. Collection method: clinical testing. Allele origin: germline.
Comment: The PLEKHG5 c.565A>G variant is predicted to result in the amino acid substitution p.Ser189Gly. To our knowledge, this variant has not been reported in the literature. This variant is reported in 0.00093% of alleles in individuals of European (non-Finnish) descent in gnomAD. At this time, the clinical significance of this variant is uncertain due to the absence of conclusive functional and genetic evidence.

Ambry Genetics
Classification: Uncertain significance for Inborn genetic diseases. Last evaluated: 2025-12-04. Review status: criteria provided, single submitter. Criteria: Ambry Variant Classification Scheme 2023. Collection method: clinical testing. Allele origin: germline.

Labcorp Genetics (formerly Invitae), Labcorp
Classification: Uncertain significance for Neuronopathy, distal hereditary motor, autosomal recessive 4; Charcot-Marie-Tooth disease recessive intermediate C. Last evaluated: 2022-05-27. Review status: criteria provided, single submitter. Criteria: Invitae Variant Classification Sherloc (09022015). Collection method: clinical testing. Allele origin: germline.
Comment: This sequence change replaces serine, which is neutral and polar, with glycine, which is neutral and non-polar, at codon 189 of the PLEKHG5 protein (p.Ser189Gly). This variant is present in population databases (no rsID available, gnomAD 0.0009%). This variant has not been reported in the literature in individuals affected with PLEKHG5-related conditions. ClinVar contains an entry for this variant (Variation ID: 940678). Algorithms developed to predict the effect of missense changes on protein structure and function (SIFT, PolyPhen-2, Align-GVGD) all suggest that this variant is likely to be tolerated. In summary, the available evidence is currently insufficient to determine the role of this variant in disease. Therefore, it has been classified as a Variant of Uncertain Significance.